The following is an entry in ClinVar:

NM_001206927.2(DNAH8):c.2528C>A (p.Ala843Glu)

Gene: DNAH8 (dynein axonemal heavy chain 8; plus strand). Cytogenetic location: 6p21.2.
Variant type: single nucleotide variant.
Coding change: c.2528C>A on transcript NM_001206927.2 (MANE Select); coding-DNA position 2528, C replaced by A.
Protein change: p.Ala843Glu; replaces alanine 843 with glutamic acid.
Molecular consequence: missense variant.
Genome position (GRCh38, 1-based): chr6:38,786,897, C>A. VCF-style: chr6-38786897-C-A. GRCh37 (hg19) VCF-style: chr6-38754673-C-A.
Other names: c.1877C>A, p.Ala626Glu (NM_001371.4); short protein forms A843E, A626E.
Identifiers: ClinVar variation 2757507 (VCV002757507.3), dbSNP rs774986794, ClinGen allele CA3788535.

ClinVar aggregate classification (germline): Uncertain significance (1 of 4 stars; one submission).

Conditions:
Primary ciliary dyskinesia. Also called: Ciliary dyskinesia. Identifiers: Orphanet 244, MedGen C0008780, MONDO:0016575, HP:0012265.

Allele frequency attached by ClinVar (database versions not stated): gnomAD exomes 0.00001; TOPMed 0.00001; ExAC 0.00002.
gnomAD v4.1: 12 of 1,609,042 alleles (0.00075%); highest among the groups gnomAD compares: Middle Eastern, 0.017%; no homozygotes.

Submission:

Labcorp Genetics (formerly Invitae), Labcorp
Classification: Uncertain significance for Primary ciliary dyskinesia. Last evaluated: 2023-06-06. Review status: criteria provided, single submitter. Criteria: Invitae Variant Classification Sherloc (09022015). Collection method: clinical testing. Allele origin: germline.
Comment: This sequence change replaces alanine, which is neutral and non-polar, with glutamic acid, which is acidic and polar, at codon 843 of the DNAH8 protein (p.Ala843Glu). This variant is present in population databases (rs774986794, gnomAD 0.03%). This variant has not been reported in the literature in individuals affected with DNAH8-related conditions. Experimental studies and prediction algorithms are not available or were not evaluated, and the functional significance of this variant is currently unknown. In summary, the available evidence is currently insufficient to determine the role of this variant in disease. Therefore, it has been classified as a Variant of Uncertain Significance.